The following is an entry in ClinVar:

NM_000169.3(GLA):c.1095T>A (p.Tyr365Ter)

Genes: GLA (galactosidase alpha; minus strand), RPL36A-HNRNPH2 (RPL36A-HNRNPH2 readthrough; plus strand). Cytogenetic location: Xq22.1.
Variant type: single nucleotide variant.
Coding change: c.1095T>A on transcript NM_000169.3 (MANE Select); coding-DNA position 1095, T replaced by A.
Protein change: p.Tyr365Ter; replaces tyrosine 365 with a stop codon.
Molecular consequence: nonsense. On other transcripts: non-coding transcript variant (3), intron variant (2).
Genome position (GRCh38, 1-based): chrX:101,398,004, A>T on the plus strand (T>A on the coding strand, the complement: GLA is on the minus strand). VCF-style: chrX-101398004-A-T. GRCh37 (hg19) VCF-style: chrX-100652992-A-T.
Other names: c.1218T>A, p.Tyr406Ter (NM_001406747.1); c.300+2547A>T (NM_001199973.2); c.177+6182A>T (NM_001199974.2); short protein forms Y365*, Y406*.
Identifiers: ClinVar variation 10767 (VCV000010767.10), dbSNP rs104894849, ClinGen allele CA021385.
Genomic context (GRCh38, chrX:101,398,004, plus strand): 5'-TGTGATGAAGCAGGCAGGATTACAGGCCACTCCTTTACCCAGGGAAGCAACTGCGATGGT[A>T]TAAGAGCGAGGTCCACCAATCTCCTGCCGGTTTATCATAGCTACAGCCCAGGCTAAGCCT-3'

ClinVar aggregate classification (germline): Pathogenic. Review status: criteria provided, multiple submitters, no conflicts (2 of 4 stars). 3 submissions from 3 submitters: Pathogenic (2). 1 of the submissions does not count toward it. Last evaluated 2026-09-08.

Conditions:
Fabry disease. Also called: Ceramide trihexosidosis; Fabry's disease; CERAMIDE TRIHEXOSIDASE DEFICIENCY; GLA DEFICIENCY; HEREDITARY DYSTOPIC LIPIDOSIS; ALPHA-GALACTOSIDASE A DEFICIENCY. Identifiers: Orphanet 324, MedGen C0002986, MONDO:0010526, OMIM 301500, HP:0001071. Disease mechanism: Fabry disease is due to inactivating mutations in the X-linked GLA gene resulting in deficiency of the enzyme Alpha Galactosidase-A., loss of function.

Submissions (3):

Genomenon, Inc
Classification: Pathogenic for Fabry disease. Last evaluated: 2026-09-08. Review status: criteria provided, single submitter. Criteria: Genomenon Sequence Variant Interpretation Standards - Updated. Collection method: curation. Allele origin: germline. Affected: yes.
Comment: GLA p.Tyr365Ter (c.1095T>A) is a nonsense variant that introduces a premature stop codon at amino acid position 365 and is predicted to result in a truncated or absent protein product. This variant has been observed in at least one proband with clinical features consistent with Fabry disease (PMID:31996269;12920095). A de novo occurrence of this variant has been observed in at least one affected individual (PMID:12920095). Functional or patient cell studies have been reported (PMID:31996269). It is absent or not present at a significant frequency in gnomAD. In conclusion, we classify GLA p.Tyr365Ter (c.1095T>A) as a pathogenic variant.

Revvity Omics, Revvity
Classification: Pathogenic. Last evaluated: 2020-06-12. Review status: criteria provided, single submitter. Criteria: ACMG Guidelines, 2015. Collection method: clinical testing. Allele origin: germline.

OMIM
Classification: Pathogenic for FABRY DISEASE. Last evaluated: 1996-10-15. Review status: no assertion criteria provided. Collection method: literature only. Allele origin: germline. Not counted in ClinVar's aggregate classification.

Literature cited by the submitters: PubMed 31996269 (cited by Genomenon, Inc); PubMed 12920095 (cited by Genomenon, Inc); PubMed 8878432 (cited by OMIM).